The following is an entry in ClinVar:

NM_001385012.1(NBEA):c.7394T>C (p.Val2465Ala)

Gene: NBEA (neurobeachin; plus strand). Cytogenetic location: 13q13.3.
Variant type: single nucleotide variant.
Coding change: c.7394T>C on transcript NM_001385012.1 (MANE Select); coding-DNA position 7394, T replaced by C.
Protein change: p.Val2465Ala; replaces valine 2465 with alanine.
Molecular consequence: missense variant.
Genome position (GRCh38, 1-based): chr13:35,606,523, T>C. VCF-style: chr13-35606523-T-C. GRCh37 (hg19) VCF-style: chr13-36180660-T-C.
Other names: c.773T>C, p.Val258Ala (NM_001204197.3); c.7385T>C, p.Val2462Ala (NM_001379245.1); c.7394T>C, p.Val2465Ala (NM_015678.5); short protein forms V2465A, V258A, V2462A.
Identifiers: ClinVar variation 2507616 (VCV002507616.3), dbSNP rs768542481, ClinGen allele CA6947750.

ClinVar aggregate classification (germline): Likely benign. Review status: criteria provided, multiple submitters, no conflicts (2 of 4 stars). 2 submissions from 2 submitters: Likely benign (2). Last evaluated 2026-01-16.

Conditions:
Inborn genetic diseases. Identifiers: MedGen C0950123, MeSH D030342.

Allele frequency attached by ClinVar (database versions not stated): gnomAD 0.00001; gnomAD exomes 0.00002; TOPMed 0.00006; ExAC 0.00008.
gnomAD v4.1: 26 of 1,608,054 alleles (0.0016%); highest among the groups gnomAD compares: East Asian, 0.054%; no homozygotes.

Submissions (2):

Women's Health and Genetics/Laboratory Corporation of America, LabCorp
Classification: Likely benign. Last evaluated: 2026-01-16. Review status: criteria provided, single submitter. Criteria: LabCorp Variant Classification Summary - May 2015. Collection method: clinical testing. Allele origin: germline.
Comment: Variant summary: NBEA c.7394T>C (p.Val2465Ala) results in a non-conservative amino acid change in the encoded protein sequence. Algorithms developed to predict the effect of missense changes on protein structure and function all suggest that this variant is likely to be disruptive. The variant allele was found at a frequency of 7.7e-05 in 246922 control chromosomes, predominantly at a frequency of 0.0011 within the East Asian subpopulation in the gnomAD database. The observed variant frequency within East Asian control individuals in the gnomAD database exceeds the estimated maximal expected allele frequency for disease-causing variants in NBEA. To our knowledge, no occurrence of c.7394T>C in individuals affected with NBEA-related conditions and no experimental evidence demonstrating its impact on protein function have been reported. ClinVar contains an entry for this variant (Variation ID: 2507616). Based on the evidence outlined above, the variant was classified as likely benign.

Ambry Genetics
Classification: Likely benign for Inborn genetic diseases. Last evaluated: 2023-05-31. Review status: criteria provided, single submitter. Criteria: Ambry Variant Classification Scheme 2023. Collection method: clinical testing. Allele origin: germline.